The following is an entry in ClinVar:

ClinVar aggregate classification (germline): Benign/Likely benign. Review status: criteria provided, multiple submitters, no conflicts (2 of 4 stars). 7 submissions from 7 submitters: Benign (5); Likely benign (2). Last evaluated 2026-01-15.

Conditions:
Microcephaly 7, primary, autosomal recessive. Identifiers: Orphanet 2512, MedGen C2675187, MONDO:0012989, OMIM 612703.

Allele frequency attached by ClinVar (database versions not stated): gnomAD 0.00460 and 0.00517; ESP Exome Variant Server 0.00484; 1000 Genomes Project 0.00499; TOPMed 0.00516; gnomAD exomes 0.00742 and 0.00728; ExAC 0.00746; 1000 Genomes Project 30x 0.00578.
gnomAD v4.1: 11,399 of 1,612,162 alleles (0.71%); highest among the groups gnomAD compares: South Asian, 2.2%; 77 homozygotes.

Submissions (7):

Labcorp Genetics (formerly Invitae), Labcorp
Classification: Benign. Last evaluated: 2026-01-15. Review status: criteria provided, single submitter. Criteria: Invitae Variant Classification Sherloc (09022015). Collection method: clinical testing. Allele origin: germline.

Athena Diagnostics
Classification: Benign. Last evaluated: 2025-05-06. Review status: criteria provided, single submitter. Criteria: Athena Diagnostics Criteria. Collection method: clinical testing. Allele origin: unknown.
Comment: The frequency of this variant in the general population is higher than would generally be expected for pathogenic variants in this gene.

Illumina Laboratory Services, Illumina
Classification: Likely benign for Microcephaly 7, primary, autosomal recessive. Last evaluated: 2018-01-12. Review status: criteria provided, single submitter. Criteria: ICSL Variant Classification Criteria 13 December 2019. Collection method: clinical testing. Allele origin: germline.
Comment: This variant was observed in the ICSL laboratory as part of a predisposition screen in an ostensibly healthy population. It had not been previously curated by ICSL or reported in the Human Gene Mutation Database (HGMD: prior to June 1st, 2018), and was therefore a candidate for classification through an automated scoring system. Utilizing variant allele frequency, disease prevalence and penetrance estimates, and inheritance mode, an automated score was calculated to assess if this variant is too frequent to cause the disease. Based on the score and internal cut-off values, a variant classified as likely benign is not then subjected to further curation. The score for this variant resulted in a classification of likely benign for this disease.

Genetic Services Laboratory, University of Chicago
Classification: Benign. Last evaluated: 2016-01-04. Review status: criteria provided, single submitter. Criteria: ACMG Guidelines, 2015. Collection method: clinical testing. Allele origin: germline. Affected: no.

GeneDx
Classification: Benign. Last evaluated: 2015-03-03. Review status: criteria provided, single submitter. Criteria: GeneDx Variant Classification Process June 2021. Collection method: clinical testing. Allele origin: germline. Affected: yes.

Eurofins Ntd Llc (ga)
Classification: Benign. Last evaluated: 2013-07-03. Review status: criteria provided, single submitter. Criteria: EGL Classification Definitions 2015. Collection method: clinical testing. Allele origin: germline. Observed: 3 variant alleles, 3 heterozygotes.

Breakthrough Genomics
Classification: Likely benign. Review status: criteria provided, single submitter. Criteria: ACMG Guidelines, 2015. Collection method: not provided. Allele origin: germline. Inheritance: Autosomal recessive inheritance. Affected: yes.

NM_001048166.1(STIL):c.3786G>A (p.Thr1262=)

Gene: STIL (STIL centriolar assembly protein; minus strand). Cytogenetic location: 1p33.
Variant type: single nucleotide variant.
Coding change: c.3786G>A on transcript NM_001048166.1 (MANE Select); coding-DNA position 3786, G replaced by A.
Protein change: p.Thr1262=; no amino-acid change (threonine 1262 retained).
Molecular consequence: synonymous variant.
Genome position (GRCh38, 1-based): chr1:47,251,217, C>T on the plus strand (G>A on the coding strand, the complement: STIL is on the minus strand). VCF-style: chr1-47251217-C-T. GRCh37 (hg19) VCF-style: chr1-47716889-C-T.
Other names: c.3783G>A, p.Thr1261= (NM_001282936.1, NM_003035.2); c.3732G>A, p.Thr1244= (NM_001282937.1); c.3645G>A, p.Thr1215= (NM_001282938.1); c.3591G>A, p.Thr1197= (NM_001282939.1).
Identifiers: ClinVar variation 94097 (VCV000094097.25), dbSNP rs146387723, ClinGen allele CA147618.
Genomic context (GRCh38, chr1:47,251,217, plus strand): 5'-TCTGAGACGTTTTACATCTAAGAAGGTGCCTACTGAATTCATGCTATTCATCTGCTTTAG[C>T]GTTTCAGAAGGTTGCAAACTTTCAGGAAAAATTGTAATGTCCCCTTCATTTTCTTTCTCA-3'
Protein context (NP_001041631.1, residues 1252-1272): IFPESLQPSE[Thr1262=]LKQMNSMNSV